The following is an entry in ClinVar:

ClinVar aggregate classification (germline): Pathogenic. Review status: criteria provided, multiple submitters, no conflicts (2 of 4 stars). 4 submissions from 4 submitters: Pathogenic (4). Last evaluated 2024-12-23.

Conditions:
Cornelia de Lange syndrome 1 (CDLS1). Also called: TYPUS DEGENERATIVUS AMSTELODAMENSIS; NIPBL-Related Cornelia de Lange Syndrome; Brachmann de Lange syndrome. Identifiers: Orphanet 199, MedGen C4551851, MONDO:0007387, OMIM 122470.

Submissions (4):

3billion
Classification: Pathogenic for Cornelia de Lange syndrome 1. Last evaluated: 2024-12-23. Review status: criteria provided, single submitter. Criteria: ACMG Guidelines, 2015. Collection method: clinical testing. Allele origin: germline. Affected: yes.
Comment: The variant is not observed in the gnomAD v4.1.0 dataset. Predicted Consequence/Location: Stop-gained (nonsense): predicted to result in a loss or disruption of normal protein function through nonsense-mediated decay (NMD) or protein truncation. Multiple pathogenic variants are reported downstream of the variant. The variant has been reported at least twice as pathogenic with clinical assertions and evidence for the classification (ClinVar ID: VCV000159053 /PMID: 15318302). Therefore, this variant is classified as Pathogenic according to the recommendation of ACMG/AMP guideline.

CeGaT Center for Human Genetics Tuebingen
Classification: Pathogenic. Last evaluated: 2022-10-01. Review status: criteria provided, single submitter. Criteria: CeGaT Center For Human Genetics Tuebingen Variant Classification Criteria Version 2. Collection method: clinical testing. Allele origin: germline. Affected: yes. Observed: 1 variant allele.
Comment: NIPBL: PVS1, PS2, PM2

GeneDx
Classification: Pathogenic. Last evaluated: 2022-09-19. Review status: criteria provided, single submitter. Criteria: GeneDx Variant Classification Process June 2021. Collection method: clinical testing. Allele origin: germline. Affected: yes.
Comment: Nonsense variant predicted to result in protein truncation or nonsense mediated decay in a gene for which loss of function is a known mechanism of disease; Not observed at significant frequency in large population cohorts (gnomAD); This variant is associated with the following publications: (PMID: 25525159, 23505322, 19242925, 24218399, 17661813, 24863959, 15318302, 16606884, 24038889)

Genetic Services Laboratory, University of Chicago
Classification: Pathogenic for Cornelia de Lange syndrome 1. Last evaluated: 2013-02-08. Review status: criteria provided, single submitter. Criteria: ACMG Guidelines, 2007. Collection method: clinical testing. Allele origin: germline. Inheritance: Autosomal dominant inheritance. Affected: yes.

Literature cited by the submitters: PubMed 15318302 (cited by 3billion).

NM_133433.4(NIPBL):c.2389C>T (p.Arg797Ter)

Gene: NIPBL (NIPBL cohesin loading factor; plus strand). Cytogenetic location: 5p13.2.
Variant type: single nucleotide variant.
Coding change: c.2389C>T on transcript NM_133433.4 (MANE Select); coding-DNA position 2389, C replaced by T.
Protein change: p.Arg797Ter; replaces arginine 797 with a stop codon.
Molecular consequence: nonsense.
Genome position (GRCh38, 1-based): chr5:36,985,569, C>T. VCF-style: chr5-36985569-C-T. GRCh37 (hg19) VCF-style: chr5-36985671-C-T.
Other names: c.2389C>T, p.Arg797Ter (NM_015384.5); short protein forms R797*.
Identifiers: ClinVar variation 159053 (VCV000159053.36), dbSNP rs587783901, ClinGen allele CA272009.